The following is an entry in ClinVar:

ClinVar aggregate classification (germline): Uncertain significance. Review status: criteria provided, multiple submitters, no conflicts (2 of 4 stars). 2 submissions from 2 submitters: Uncertain significance (2). Last evaluated 2024-04-12.

Allele frequency attached by ClinVar (database versions not stated): gnomAD exomes below 0.00001; gnomAD 0.00001; ExAC 0.00004; 1000 Genomes Project 30x 0.00016; 1000 Genomes Project 0.00020.
gnomAD v4.1: 2 of 1,611,560 alleles (0.00012%); highest among the groups gnomAD compares: East Asian, 0.0045%; no homozygotes.

Submissions (2):

Blueprint Genetics
Classification: Uncertain significance. Last evaluated: 2024-04-12. Review status: criteria provided, single submitter. Criteria: ACMG Guidelines, 2015. Collection method: clinical testing. Allele origin: germline.

Labcorp Genetics (formerly Invitae), Labcorp
Classification: Uncertain significance. Last evaluated: 2022-08-28. Review status: criteria provided, single submitter. Criteria: Invitae Variant Classification Sherloc (09022015). Collection method: clinical testing. Allele origin: germline.
Comment: In summary, the available evidence is currently insufficient to determine the role of this variant in disease. Therefore, it has been classified as a Variant of Uncertain Significance. Algorithms developed to predict the effect of missense changes on protein structure and function are either unavailable or do not agree on the potential impact of this missense change (SIFT: "Not Available"; PolyPhen-2: "Probably Damaging"; Align-GVGD: "Not Available"). This variant has not been reported in the literature in individuals affected with CA4-related conditions. This variant is present in population databases (rs556598729, gnomAD 0.02%). This sequence change replaces tyrosine, which is neutral and polar, with cysteine, which is neutral and slightly polar, at codon 25 of the CA4 protein (p.Tyr25Cys).

NM_000717.5(CA4):c.74A>G (p.Tyr25Cys)

Gene: CA4 (carbonic anhydrase 4; plus strand). Cytogenetic location: 17q23.1.
Variant type: single nucleotide variant.
Coding change: c.74A>G on transcript NM_000717.5 (MANE Select); coding-DNA position 74, A replaced by G.
Protein change: p.Tyr25Cys; replaces tyrosine 25 with cysteine.
Molecular consequence: missense variant. On other transcripts: non-coding transcript variant (1).
Genome position (GRCh38, 1-based): chr17:60,155,329, A>G. VCF-style: chr17-60155329-A-G. GRCh37 (hg19) VCF-style: chr17-58232690-A-G.
Other names: short protein forms Y25C.
Identifiers: ClinVar variation 2152291 (VCV002152291.5), dbSNP rs556598729, ClinGen allele CA8685208.